The following is an entry in ClinVar:

ClinVar aggregate classification (germline): Uncertain significance. Review status: criteria provided, multiple submitters, no conflicts (2 of 4 stars). 5 submissions from 5 submitters: Uncertain significance (5). Last evaluated 2024-05-30.

Conditions:
Inborn genetic diseases. Identifiers: MedGen C0950123, MeSH D030342.
Developmental and epileptic encephalopathy, 18 (DEE18). Also called: Early infantile epileptic encephalopathy 18. Identifiers: Orphanet 369894, MedGen C3809624, MONDO:0014201, OMIM 615476.

Allele frequency attached by ClinVar (database versions not stated): TOPMed 0.00001; gnomAD 0.00003; gnomAD exomes 0.00003; ExAC 0.00004.
gnomAD v4.1: 30 of 1,596,052 alleles (0.0019%); highest among the groups gnomAD compares: Middle Eastern, 0.017%; no homozygotes.

Submissions (5):

Ambry Genetics
Classification: Uncertain significance for Inborn genetic diseases. Last evaluated: 2024-05-30. Review status: criteria provided, single submitter. Criteria: Ambry Variant Classification Scheme 2023. Collection method: clinical testing. Allele origin: germline.

Labcorp Genetics (formerly Invitae), Labcorp
Classification: Uncertain significance. Last evaluated: 2023-11-27. Review status: criteria provided, single submitter. Criteria: Invitae Variant Classification Sherloc (09022015). Collection method: clinical testing. Allele origin: germline.
Comment: This sequence change replaces glycine, which is neutral and non-polar, with glutamic acid, which is acidic and polar, at codon 1885 of the SZT2 protein (p.Gly1885Glu). This variant is present in population databases (rs749617609, gnomAD 0.005%). This variant has not been reported in the literature in individuals affected with SZT2-related conditions. ClinVar contains an entry for this variant (Variation ID: 659456). Advanced modeling of protein sequence and biophysical properties (such as structural, functional, and spatial information, amino acid conservation, physicochemical variation, residue mobility, and thermodynamic stability) performed at Invitae indicates that this missense variant is not expected to disrupt SZT2 protein function with a negative predictive value of 80%. In summary, the available evidence is currently insufficient to determine the role of this variant in disease. Therefore, it has been classified as a Variant of Uncertain Significance.

GeneDx
Classification: Uncertain significance. Last evaluated: 2023-07-10. Review status: criteria provided, single submitter. Criteria: GeneDx Variant Classification Process June 2021. Collection method: clinical testing. Allele origin: germline. Affected: yes.
Comment: Not observed at significant frequency in large population cohorts (gnomAD); In silico analysis supports that this missense variant does not alter protein structure/function; Has not been previously published as pathogenic or benign to our knowledge

Blueprint Genetics
Classification: Uncertain significance. Last evaluated: 2023-05-16. Review status: criteria provided, single submitter. Criteria: ACMG Guidelines, 2015. Collection method: clinical testing. Allele origin: germline.

Genome-Nilou Lab
Classification: Uncertain significance for Developmental and epileptic encephalopathy, 18. Last evaluated: 2023-04-11. Review status: criteria provided, single submitter. Criteria: ACMG Guidelines, 2015. Collection method: clinical testing. Allele origin: germline. Affected: no.

NM_001365999.1(SZT2):c.5825G>A (p.Gly1942Glu)

Gene: SZT2 (SZT2 subunit of KICSTOR complex; plus strand). Cytogenetic location: 1p34.2.
Variant type: single nucleotide variant.
Coding change: c.5825G>A on transcript NM_001365999.1 (MANE Select); coding-DNA position 5825, G replaced by A.
Protein change: p.Gly1942Glu; replaces glycine 1942 with glutamic acid.
Molecular consequence: missense variant.
Genome position (GRCh38, 1-based): chr1:43,434,406, G>A. VCF-style: chr1-43434406-G-A. GRCh37 (hg19) VCF-style: chr1-43900077-G-A.
Other names: c.5654G>A, p.Gly1885Glu (NM_015284.4); short protein forms G1885E, G1942E.
Identifiers: ClinVar variation 659456 (VCV000659456.12), dbSNP rs749617609, ClinGen allele CA809717.